The following is an entry in ClinVar:

ClinVar aggregate classification (germline): Uncertain significance (1 of 4 stars; one submission).

Submission:

GeneDx
Classification: Uncertain significance. Last evaluated: 2024-09-18. Review status: criteria provided, single submitter. Criteria: GeneDx Variant Classification Process June 2021. Collection method: clinical testing. Allele origin: germline. Affected: yes.
Comment: Not observed at significant frequency in large population cohorts (gnomAD); In silico analysis indicates that this missense variant does not alter protein structure/function; Has not been previously published as pathogenic or benign to our knowledge

NM_001386393.1(PANK2):c.266A>G (p.Gln89Arg)

Genes: PANK2 (pantothenate kinase 2; plus strand), LOC130065345 (ATAC-STARR-seq lymphoblastoid silent region 12635; plus strand). Cytogenetic location: 20p13.
Variant type: single nucleotide variant.
Coding change: c.266A>G on transcript NM_001386393.1 (MANE Select); coding-DNA position 266, A replaced by G.
Protein change: p.Gln89Arg; replaces glutamine 89 with arginine.
Molecular consequence: missense variant. On other transcripts: 5 prime UTR variant (1), non-coding transcript variant (1), intron variant (1).
Genome position (GRCh38, 1-based): chr20:3,889,696, A>G. VCF-style: chr20-3889696-A-G. GRCh37 (hg19) VCF-style: chr20-3870343-A-G.
Other names: c.-446A>G (NM_001324191.2); c.596A>G, p.Gln199Arg (NM_001324192.1, NM_153638.4); c.-246+792A>G (NM_024960.6); short protein forms Q199R, Q89R.
Identifiers: ClinVar variation 3774055 (VCV003774055.1).